The following is an entry in ClinVar:

NM_000246.4(CIITA):c.1264G>T (p.Ala422Ser)

Gene: CIITA (class II major histocompatibility complex transactivator; plus strand). Cytogenetic location: 16p13.13.
Variant type: single nucleotide variant.
Coding change: c.1264G>T on transcript NM_000246.4 (MANE Select); coding-DNA position 1264, G replaced by T.
Protein change: p.Ala422Ser; replaces alanine 422 with serine.
Molecular consequence: missense variant. On other transcripts: intron variant (1).
Genome position (GRCh38, 1-based): chr16:10,906,756, G>T. VCF-style: chr16-10906756-G-T. GRCh37 (hg19) VCF-style: chr16-11000613-G-T.
Other names: c.1267G>T, p.Ala423Ser (NM_001286402.1, NM_001379332.1); c.1120G>T, p.Ala374Ser (NM_001379330.1); c.1117G>T, p.Ala373Ser (NM_001379331.1); c.1264G>T, p.Ala422Ser (NM_001379333.1); c.1195G>T, p.Ala399Ser (NM_001379334.1); c.859+1944G>T (NM_001286403.2); short protein forms A373S, A399S, A374S, A423S, A422S.
Identifiers: ClinVar variation 1899996 (VCV001899996.5), dbSNP rs2144701903, ClinGen allele CA394730100.

ClinVar aggregate classification (germline): Uncertain significance (1 of 4 stars; one submission).

Conditions:
MHC class II deficiency. Also called: Bare lymphocyte syndrome 2; BLS, TYPE II. Identifiers: Orphanet 572, MedGen C5447452, MONDO:0008855.

Submission:

Labcorp Genetics (formerly Invitae), Labcorp
Classification: Uncertain significance for MHC class II deficiency. Last evaluated: 2022-08-21. Review status: criteria provided, single submitter. Criteria: Invitae Variant Classification Sherloc (09022015). Collection method: clinical testing. Allele origin: germline.
Comment: In summary, the available evidence is currently insufficient to determine the role of this variant in disease. Therefore, it has been classified as a Variant of Uncertain Significance. Algorithms developed to predict the effect of missense changes on protein structure and function are either unavailable or do not agree on the potential impact of this missense change (SIFT: "Tolerated"; PolyPhen-2: "Probably Damaging"; Align-GVGD: "Class C0"). This variant has not been reported in the literature in individuals affected with CIITA-related conditions. This variant is not present in population databases (gnomAD no frequency). This sequence change replaces alanine, which is neutral and non-polar, with serine, which is neutral and polar, at codon 422 of the CIITA protein (p.Ala422Ser).